The following is an entry in ClinVar:

ClinVar aggregate classification (germline): Uncertain significance. Review status: criteria provided, multiple submitters, no conflicts (2 of 4 stars). 5 submissions from 5 submitters: Uncertain significance (4). 1 of the submissions does not count toward it. Last evaluated 2026-08-26.

Conditions:
Medulloblastoma (MDB). Also called: Medulloblastoma, somatic; MEDULLOBLASTOMA PREDISPOSITION SYNDROME. Identifiers: Orphanet 616, MedGen C0025149, MeSH D008527, MONDO:0007959, OMIM 155255, HP:0002885.
Familial dysautonomia. Also called: FD; HSAN III. Identifiers: Orphanet 1764, MedGen C0013364, MONDO:0009131, OMIM 223900. Disease mechanism: loss of function.

Allele frequency attached by ClinVar (database versions not stated): gnomAD 0.00002 and 0.00003; TOPMed 0.00004; gnomAD exomes 0.00002; ExAC 0.00003.
gnomAD v4.1: 14 of 1,613,702 alleles (0.00087%); highest among the groups gnomAD compares: Non-Finnish European, 0.001%; no homozygotes.

Submissions (5):

GeneDx
Classification: Uncertain significance. Last evaluated: 2026-08-26. Review status: criteria provided, single submitter. Criteria: GeneDx Variant Classification Process June 2021. Collection method: clinical testing. Allele origin: germline.
Comment: Not observed at significant frequency in large population cohorts (gnomAD); In silico analysis supports that this missense variant has a deleterious effect on protein structure/function; Has not been previously published as pathogenic or benign to our knowledge

Labcorp Genetics (formerly Invitae), Labcorp
Classification: Uncertain significance. Last evaluated: 2022-08-09. Review status: criteria provided, single submitter. Criteria: Invitae Variant Classification Sherloc (09022015). Collection method: clinical testing. Allele origin: germline.
Comment: This sequence change replaces aspartic acid, which is acidic and polar, with glutamic acid, which is acidic and polar, at codon 120 of the ELP1 protein (p.Asp120Glu). This variant is present in population databases (rs775972369, gnomAD 0.004%). This variant has not been reported in the literature in individuals affected with ELP1-related conditions. ClinVar contains an entry for this variant (Variation ID: 246191). Algorithms developed to predict the effect of missense changes on protein structure and function (SIFT, PolyPhen-2, Align-GVGD) all suggest that this variant is likely to be tolerated. In summary, the available evidence is currently insufficient to determine the role of this variant in disease. Therefore, it has been classified as a Variant of Uncertain Significance.

Fulgent Genetics
Classification: Uncertain significance for Medulloblastoma; Familial dysautonomia. Last evaluated: 2022-02-25. Review status: criteria provided, single submitter. Criteria: ACMG Guidelines, 2015. Collection method: clinical testing. Allele origin: unknown.

Mayo Clinic Laboratories, Mayo Clinic
Classification: Uncertain significance. Last evaluated: 2020-11-19. Review status: criteria provided, single submitter. Criteria: ACMG Guidelines, 2015. Collection method: clinical testing. Allele origin: germline. Observed: 1 variant allele.

Natera, Inc.
Classification: Uncertain significance for Familial dysautonomia. Last evaluated: 2020-09-16. Review status: no assertion criteria provided. Collection method: clinical testing. Allele origin: germline. Not counted in ClinVar's aggregate classification.

NM_003640.5(ELP1):c.360C>G (p.Asp120Glu)

Gene: ELP1 (elongator acetyltransferase complex subunit 1; minus strand). Cytogenetic location: 9q31.3.
Variant type: single nucleotide variant.
Coding change: c.360C>G on transcript NM_003640.5 (MANE Select); coding-DNA position 360, C replaced by G.
Protein change: p.Asp120Glu; replaces aspartic acid 120 with glutamic acid.
Molecular consequence: missense variant. On other transcripts: 5 prime UTR variant (1).
Genome position (GRCh38, 1-based): chr9:108,927,397, G>C on the plus strand (C>G on the coding strand, the complement: ELP1 is on the minus strand). VCF-style: chr9-108927397-G-C. GRCh37 (hg19) VCF-style: chr9-111689677-G-C.
Other names: c.360C>G (LRG_251t1); c.18C>G, p.Asp6Glu (NM_001318360.2); c.-500C>G (NM_001330749.2); short protein forms D120E, D6E.
Identifiers: ClinVar variation 246191 (VCV000246191.16), dbSNP rs775972369, ClinGen allele CA5175389.